The following is an entry in ClinVar:

ClinVar aggregate classification (germline): other (0 of 4 stars; one submission).

Conditions:
Familial colorectal cancer. Identifiers: MedGen CN280943, MONDO:0023113. Disease mechanism: loss of function.

Allele frequency attached by ClinVar (database versions not stated): TOPMed 0.98027; 1000 Genomes Project 30x 0.98064; gnomAD 0.98079 and 0.98219; 1000 Genomes Project 0.98263.
gnomAD v4.1: 149,582 of 152,256 alleles (98%); highest among the groups gnomAD compares: Middle Eastern, 100%; 73,539 homozygotes.

Submission:

Systems Biology Platform Zhejiang California International NanoSystems Institute
Classification: other for Familial colorectal cancer. Review status: no assertion criteria provided. Collection method: not provided. Allele origin: unknown.
ClinVar note: Converted during submission from cancer to other.

NM_000038.6(APC):c.136-3112G>A

Gene: APC (APC regulator of WNT signaling pathway; plus strand). Cytogenetic location: 5q22.2.
Variant type: single nucleotide variant.
Coding change: c.136-3112G>A on transcript NM_000038.6 (MANE Select); 3112 bases into the intron before coding-DNA position 136, G replaced by A.
Molecular consequence: intron variant.
Genome position (GRCh38, 1-based): chr5:112,763,214, G>A. VCF-style: chr5-112763214-G-A. GRCh37 (hg19) VCF-style: chr5-112098911-G-A.
Other names: c.136-3112G>A (NM_001354895.2, NM_001127510.3, NM_001354896.2 and 2 more transcripts); c.166-3112G>A (NM_001354897.2, NM_001354902.2, NM_001127511.3); c.61-3112G>A (NM_001354898.2, NM_001354904.2); c.-900-3112G>A (NM_001354906.2); c.-42-3112G>A (NM_001354900.2, NM_001354901.2, NM_001354905.2).
Identifiers: ClinVar variation 82845 (VCV000082845.2), dbSNP rs380589, ClinGen allele CA004713.